The following is an entry in ClinVar:

NM_005076.5(CNTN2):c.2193G>C (p.Trp731Cys)

Gene: CNTN2 (contactin 2; plus strand). Cytogenetic location: 1q32.1.
Variant type: single nucleotide variant.
Coding change: c.2193G>C on transcript NM_005076.5 (MANE Select); coding-DNA position 2193, G replaced by C.
Protein change: p.Trp731Cys; replaces tryptophan 731 with cysteine.
Molecular consequence: missense variant. On other transcripts: non-coding transcript variant (1).
Genome position (GRCh38, 1-based): chr1:205,069,558, G>C. VCF-style: chr1-205069558-G-C. GRCh37 (hg19) VCF-style: chr1-205038686-G-C.
Other names: c.2193G>C, p.Trp731Cys (NM_001346083.2); short protein forms W731C.
Identifiers: ClinVar variation 451014 (VCV000451014.3), dbSNP rs1553347743, ClinGen allele CA344378092.

ClinVar aggregate classification (germline): Uncertain significance. Review status: criteria provided, multiple submitters, no conflicts (2 of 4 stars). 2 submissions from 2 submitters: Uncertain significance (2). Last evaluated 2019-01-16.

Conditions:
Epilepsy, familial adult myoclonic, 5 (EPEO5). Also called: CORTICAL MYOCLONIC TREMOR WITH EPILEPSY, FAMILIAL, 5. Identifiers: Orphanet 86814, MedGen C3809374, MONDO:0014167, OMIM 615400.

Submissions (2):

CENTOGENE GmbH and LLC - Guiding Precision Medicine
Classification: Uncertain significance for Epilepsy, familial adult myoclonic, 5. Last evaluated: 2019-01-16. Review status: criteria provided, single submitter. Criteria: ACMG Guidelines, 2015. Collection method: clinical testing. Allele origin: germline.

GeneDx
Classification: Uncertain significance. Last evaluated: 2017-08-01. Review status: criteria provided, single submitter. Criteria: GeneDx Variant Classification (06012015). Collection method: clinical testing. Allele origin: germline. Affected: yes.
Comment: The W731C variant has not been published as a pathogenic variant, nor has it been reported as a benign variant to our knowledge. This variant is not observed in large population cohorts (Lek et al., 2016; 1000 Genomes Consortium et al., 2015; Exome Variant Server). The W731C variant is a non-conservative amino acid substitution that occurs at a position that is conserved across species. In silico analysis predicts this variant is probably damaging to the protein structure/function. Therefore, based on the currently available information, it is unclear whether this variant is a pathogenic variant or a rare benign variant.